The following is an entry in ClinVar:

NM_153033.5(KCTD7):c.182A>G (p.His61Arg)

Gene: KCTD7 (potassium channel tetramerization domain containing 7; plus strand). Cytogenetic location: 7q11.21.
Variant type: single nucleotide variant.
Coding change: c.182A>G on transcript NM_153033.5 (MANE Select); coding-DNA position 182, A replaced by G.
Protein change: p.His61Arg; replaces histidine 61 with arginine.
Molecular consequence: missense variant.
Genome position (GRCh38, 1-based): chr7:66,633,312, A>G. VCF-style: chr7-66633312-A-G. GRCh37 (hg19) VCF-style: chr7-66098299-A-G.
Other names: c.182A>G, p.His61Arg (NM_001167961.2); short protein forms H61R.
Identifiers: ClinVar variation 1432167 (VCV001432167.4), dbSNP rs529063727, ClinGen allele CA4278194.
Genomic context (GRCh38, chr7:66,633,312, plus strand): 5'-GAGCCCTGGTGATTTCTTTCCAGTTTCCTGAGGTTGTTCCCCTTAACATCGGAGGGGCTC[A>G]CTTCACTACACGCCTGTCCACACTGCGGTGCTACGAAGACACCATGTTGGCAGCCATGTT-3'
Protein context (NP_694578.1, residues 51-71): EVVPLNIGGA[His61Arg]FTTRLSTLRC

ClinVar aggregate classification (germline): Uncertain significance (1 of 4 stars; one submission).

Conditions:
Progressive myoclonic epilepsy type 3. Also called: EPILEPSY, PROGRESSIVE MYOCLONIC, 3, WITHOUT INTRACELLULAR INCLUSIONS; KCTD7-Related Progressive Myoclonic Epilepsy; EPILEPSY, PROGRESSIVE MYOCLONIC, 3, WITH OR WITHOUT INTRACELLULAR INCLUSIONS; CEROID LIPOFUSCINOSIS, NEURONAL, 14. Identifiers: Orphanet 263516, MedGen C2673257, MONDO:0012721, OMIM 611726.

Allele frequency attached by ClinVar (database versions not stated): ExAC 0.00001; gnomAD exomes 0.00001; 1000 Genomes Project 30x 0.00016; 1000 Genomes Project 0.00020.
gnomAD v4.1: 6 of 1,613,898 alleles (0.00037%); highest among the groups gnomAD compares: African/African-American, 0.0027%; no homozygotes.

Submission:

Labcorp Genetics (formerly Invitae), Labcorp
Classification: Uncertain significance for Progressive myoclonic epilepsy type 3. Last evaluated: 2022-02-20. Review status: criteria provided, single submitter. Criteria: Invitae Variant Classification Sherloc (09022015). Collection method: clinical testing. Allele origin: germline.
Comment: In summary, the available evidence is currently insufficient to determine the role of this variant in disease. Therefore, it has been classified as a Variant of Uncertain Significance. Algorithms developed to predict the effect of missense changes on protein structure and function are either unavailable or do not agree on the potential impact of this missense change (SIFT: "Deleterious"; PolyPhen-2: "Benign"; Align-GVGD: "Class C0"). This variant has not been reported in the literature in individuals affected with KCTD7-related conditions. This variant is present in population databases (rs529063727, gnomAD 0.01%). This sequence change replaces histidine, which is basic and polar, with arginine, which is basic and polar, at codon 61 of the KCTD7 protein (p.His61Arg).